The following is an entry in ClinVar:

NM_178170.3(NEK8):c.1022G>A (p.Arg341His)

Gene: NEK8 (NIMA related kinase 8; plus strand). Cytogenetic location: 17q11.2.
Variant type: single nucleotide variant.
Coding change: c.1022G>A on transcript NM_178170.3 (MANE Select); coding-DNA position 1022, G replaced by A.
Protein change: p.Arg341His; replaces arginine 341 with histidine.
Molecular consequence: missense variant.
Genome position (GRCh38, 1-based): chr17:28,737,951, G>A. VCF-style: chr17-28737951-G-A. GRCh37 (hg19) VCF-style: chr17-27064969-G-A.
Other names: short protein forms R341H.
Identifiers: ClinVar variation 3661505 (VCV003661505.2).

ClinVar aggregate classification (germline): Uncertain significance (1 of 4 stars; one submission).

Conditions:
Nephronophthisis 9 (NPHP9). Identifiers: Orphanet 655, MedGen C3151188, MONDO:0013444, OMIM 613824.

gnomAD v4.1: 56 of 1,612,538 alleles (0.0035%); highest among the groups gnomAD compares: South Asian, 0.0044%; no homozygotes.

Submission:

Labcorp Genetics (formerly Invitae), Labcorp
Classification: Uncertain significance for Nephronophthisis 9. Last evaluated: 2024-11-11. Review status: criteria provided, single submitter. Criteria: Invitae Variant Classification Sherloc (09022015). Collection method: clinical testing. Allele origin: germline.
Comment: This sequence change replaces arginine, which is basic and polar, with histidine, which is basic and polar, at codon 341 of the NEK8 protein (p.Arg341His). This variant is present in population databases (rs765364445, gnomAD 0.003%). This variant has not been reported in the literature in individuals affected with NEK8-related conditions. An algorithm developed to predict the effect of missense changes on protein structure and function (PolyPhen-2) suggests that this variant is likely to be disruptive. In summary, the available evidence is currently insufficient to determine the role of this variant in disease. Therefore, it has been classified as a Variant of Uncertain Significance.